The following is an entry in ClinVar:

NM_005475.3(SH2B3):c.1236+40G>T

Gene: SH2B3 (SH2B adaptor protein 3; plus strand). Cytogenetic location: 12q24.12.
Variant type: single nucleotide variant.
Coding change: c.1236+40G>T on transcript NM_005475.3 (MANE Select); 40 bases into the intron after coding-DNA position 1236, G replaced by T.
Molecular consequence: intron variant.
Genome position (GRCh38, 1-based): chr12:111,447,584, G>T. VCF-style: chr12-111447584-G-T. GRCh37 (hg19) VCF-style: chr12-111885388-G-T.
Other names: c.630+40G>T (NM_001291424.1).
Identifiers: ClinVar variation 5036696 (VCV005036696.1).

ClinVar aggregate classification (germline): Uncertain significance (1 of 4 stars; one submission).

Conditions:
Myeloproliferative neoplasm. Identifiers: Orphanet 98274, MedGen C1292778, MONDO:0020076.

gnomAD v4.1: 12 of 1,605,862 alleles (0.00075%); highest among the groups gnomAD compares: Non-Finnish European, 0.001%; no homozygotes.

Submission:

Dept of Medical Biology, Uskudar University
Classification: Uncertain significance for Myeloproliferative neoplasm. Last evaluated: 2026-09-16. Review status: criteria provided, single submitter. Criteria: Dept of Medical Biology Variant Classification. Collection method: research. Allele origin: unknown. Affected: yes. Observed: 1 variant allele.
Comment: PM2_supporting: rare in gnomAD v4.1 (allele frequency 8.3e-06). No other criterion applies; deep intronic variant. Classified as uncertain significance under the ACMG/AMP 2015 guidelines (PMID:25741868). Detected in a retrospective series of 256 BCR::ABL1-negative and JAK2 V617F-negative patients referred for molecular investigation of a suspected myeloproliferative neoplasm (May 2007 to January 2015) and re-interpreted under the ACMG/AMP 2015 criteria.